The following is an entry in ClinVar:

ClinVar aggregate classification (germline): Likely benign (0 of 4 stars; one submission).

Conditions:
RPGRIP1L-related disorder. Also called: RPGRIP1L-related condition; RPGRIP1L-related disorders. Identifiers: MedGen CN239416.

gnomAD v4.1: 1 of 1,612,766 alleles (0.000062%); highest among the groups gnomAD compares: Non-Finnish European, 0.000085%; no homozygotes.

Submission:

PreventionGenetics, part of Exact Sciences
Classification: Likely benign for RPGRIP1L-related condition. Last evaluated: 2024-06-01. Review status: no assertion criteria provided. Collection method: clinical testing. Allele origin: germline.
Comment: This variant is classified as likely benign based on ACMG/AMP sequence variant interpretation guidelines (Richards et al. 2015 PMID: 25741868, with internal and published modifications).

NM_015272.5(RPGRIP1L):c.2683+4A>G

Gene: RPGRIP1L (RPGRIP1 like; minus strand). Cytogenetic location: 16q12.2.
Variant type: single nucleotide variant.
Coding change: c.2683+4A>G on transcript NM_015272.5 (MANE Select); 4 bases into the intron after coding-DNA position 2683, A replaced by G.
Molecular consequence: intron variant.
Genome position (GRCh38, 1-based): chr16:53,645,621, T>C on the plus strand (A>G on the coding strand, the complement: RPGRIP1L is on the minus strand). VCF-style: chr16-53645621-T-C. GRCh37 (hg19) VCF-style: chr16-53679533-T-C.
Other names: c.2683+4A>G (NM_001127897.4, NM_001330538.2, NM_001308334.3).
Identifiers: ClinVar variation 3347753 (VCV003347753.1).